The following is an entry in ClinVar:

NM_000179.3(MSH6):c.915T>C (p.Thr305=)

Gene: MSH6 (mutS homolog 6; plus strand). Cytogenetic location: 2p16.3.
Variant type: single nucleotide variant.
Coding change: c.915T>C on transcript NM_000179.3 (MANE Select); coding-DNA position 915, T replaced by C.
Protein change: p.Thr305=; no amino-acid change (threonine 305 retained).
Molecular consequence: synonymous variant. On other transcripts: non-coding transcript variant (4), intron variant (1).
Genome position (GRCh38, 1-based): chr2:47,798,898, T>C. VCF-style: chr2-47798898-T-C. GRCh37 (hg19) VCF-style: chr2-48026037-T-C.
Other names: c.525T>C, p.Thr175= (NM_001281492.2); c.9T>C, p.Thr3= (NM_001281493.2, NM_001281494.2, NM_001406811.1 and 6 more transcripts); c.1011T>C, p.Thr337= (NM_001406795.1, NM_001406802.1); c.915T>C, p.Thr305= (NM_001406796.1, NM_001406798.1, NM_001406800.1 and 4 more transcripts); c.618T>C, p.Thr206= (NM_001406797.1, NM_001406801.1, NM_001406805.1 and 10 more transcripts); c.390T>C, p.Thr130= (NM_001406799.1, NM_001406806.1, NM_001406807.1); c.837T>C, p.Thr279= (NM_001406804.1); c.921T>C, p.Thr307= (NM_001406813.1); and 2 more.
Identifiers: ClinVar variation 3903601 (VCV003903601.2).
Genomic context (GRCh38, chr2:47,798,898, plus strand): 5'-TGAGAGTGAAGGCCTGAACAGCCCTGTCAAAGTTGCTCGAAAGCGGAAGAGAATGGTGAC[T>C]GGAAATGGCTCTCTTAAAAGGAAAAGCTCTAGGAAGGAAACGCCCTCAGCCACCAAACAA-3'
Protein context (NP_000170.1, residues 295-315): KVARKRKRMV[Thr305=]GNGSLKRKSS

ClinVar aggregate classification (germline): Benign/Likely benign. Review status: criteria provided, multiple submitters, no conflicts (2 of 4 stars). 2 submissions from 2 submitters: Benign (1); Likely benign (1). Last evaluated 2025-07-07.

Conditions:
Hereditary nonpolyposis colorectal neoplasms. Identifiers: MedGen C0009405, MeSH D003123.
Lynch syndrome 5 (LYNCH5). Also called: Colorectal cancer, hereditary nonpolyposis, type 5; Hereditary non-polyposis colorectal cancer, type 5. Identifiers: Orphanet 144, MedGen C1833477, MONDO:0013710, OMIM 614350. Disease mechanism: loss of function.

Submissions (2):

Labcorp Genetics (formerly Invitae), Labcorp
Classification: Likely benign for Hereditary nonpolyposis colorectal neoplasms. Last evaluated: 2025-07-07. Review status: criteria provided, single submitter. Criteria: Invitae Variant Classification Sherloc (09022015). Collection method: clinical testing. Allele origin: germline.

Myriad Genetics, Inc.
Classification: Benign for Lynch syndrome 5. Last evaluated: 2024-12-20. Review status: criteria provided, single submitter. Criteria: Myriad Autosomal Dominant, Autosomal Recessive and X-Linked Classification Criteria (2023). Collection method: clinical testing. Allele origin: unknown.
Comment: This variant is considered benign. This variant is a silent/synonymous amino acid change and it is not expected to impact splicing.